The following is an entry in ClinVar:

NM_001457.4(FLNB):c.1259C>T (p.Pro420Leu)

Gene: FLNB (filamin B; plus strand). Cytogenetic location: 3p14.3.
Variant type: single nucleotide variant.
Coding change: c.1259C>T on transcript NM_001457.4 (MANE Select); coding-DNA position 1259, C replaced by T.
Protein change: p.Pro420Leu; replaces proline 420 with leucine.
Molecular consequence: missense variant.
Genome position (GRCh38, 1-based): chr3:58,098,822, C>T. VCF-style: chr3-58098822-C-T. GRCh37 (hg19) VCF-style: chr3-58084549-C-T.
Other names: c.1259C>T, p.Pro420Leu (NM_001164317.2, NM_001164318.2, NM_001164319.2); short protein forms P420L.
Identifiers: ClinVar variation 452161 (VCV000452161.7), dbSNP rs1270447838, ClinGen allele CA353336975.
Genomic context (GRCh38, chr3:58,098,822, plus strand): 5'-ACACCGTGGAGTTGCTCGTGGAAGACAAAGGAAACCAGGTGTATCGATGTGTGTACAAAC[C>T]CATGCAGCCTGGCCCTCACGTGGTCAAGATCTTCTTTGCTGGGGACACTATTCCTAAGAG-3'
Protein context (NP_001448.2, residues 410-430): GNQVYRCVYK[Pro420Leu]MQPGPHVVKI

ClinVar aggregate classification (germline): Uncertain significance. Review status: criteria provided, multiple submitters, no conflicts (2 of 4 stars). 4 submissions from 4 submitters: Uncertain significance (4). Last evaluated 2025-11-07.

Conditions:
Inborn genetic diseases. Identifiers: MedGen C0950123, MeSH D030342.

Allele frequency attached by ClinVar (database versions not stated): gnomAD exomes below 0.00001 and 0.00003; TOPMed below 0.00001; gnomAD 0.00001.
gnomAD v4.1: 50 of 1,614,014 alleles (0.0031%); highest among the groups gnomAD compares: Non-Finnish European, 0.0042%; no homozygotes.

Submissions (4):

Ambry Genetics
Classification: Uncertain significance for Inborn genetic diseases. Last evaluated: 2025-11-07. Review status: criteria provided, single submitter. Criteria: Ambry Variant Classification Scheme 2023. Collection method: clinical testing. Allele origin: germline.
Comment: The c.1259C>T (p.P420L) alteration is located in exon 8 (coding exon 8) of the FLNB gene. This alteration results from a C to T substitution at nucleotide position 1259, causing the proline (P) at amino acid position 420 to be replaced by a leucine (L). Based on data from gnomAD, the T allele has an overall frequency of <0.001% (1/251362) total alleles studied. The highest observed frequency was 0.001% (1/113648) of European (non-Finnish) alleles. Based on insufficient or conflicting evidence, the clinical significance of this alteration remains unclear.

Labcorp Genetics (formerly Invitae), Labcorp
Classification: Uncertain significance. Last evaluated: 2024-11-03. Review status: criteria provided, single submitter. Criteria: Invitae Variant Classification Sherloc (09022015). Collection method: clinical testing. Allele origin: germline.
Comment: This sequence change replaces proline, which is neutral and non-polar, with leucine, which is neutral and non-polar, at codon 420 of the FLNB protein (p.Pro420Leu). This variant is present in population databases (no rsID available, gnomAD 0.0009%). This variant has not been reported in the literature in individuals affected with FLNB-related conditions. ClinVar contains an entry for this variant (Variation ID: 452161). Invitae Evidence Modeling of protein sequence and biophysical properties (such as structural, functional, and spatial information, amino acid conservation, physicochemical variation, residue mobility, and thermodynamic stability) has been performed for this missense variant. However, the output from this modeling did not meet the statistical confidence thresholds required to predict the impact of this variant on FLNB protein function. In summary, the available evidence is currently insufficient to determine the role of this variant in disease. Therefore, it has been classified as a Variant of Uncertain Significance.

Women's Health and Genetics/Laboratory Corporation of America, LabCorp
Classification: Uncertain significance. Last evaluated: 2024-03-20. Review status: criteria provided, single submitter. Criteria: LabCorp Variant Classification Summary - May 2015. Collection method: clinical testing. Allele origin: germline.
Comment: Variant summary: FLNB c.1259C>T (p.Pro420Leu) results in a non-conservative amino acid change located in the Filamin/ABP280 repeat (IPR001298) of the encoded protein sequence. Five of five in-silico tools predict a damaging effect of the variant on protein function. The variant allele was found at a frequency of 4e-06 in 251362 control chromosomes. The available data on variant occurrences in the general population are insufficient to allow any conclusion about variant significance. Although the variant is unlikely to be pathogenic for autosomal dominant conditions based on the number of heterozygous individuals present in gnomAD v4, an effect cannot be ruled out for autosomal recessive Spondylocarpotarsal synostosis syndrome. To our knowledge, no occurrence of c.1259C>T in individuals affected with Larsen Syndrome or Spondylocarpotarsal synostosis syndrome has been reported, and no experimental evidence demonstrating its impact on protein function has been reported. ClinVar contains an entry for this variant (Variation ID: 452161). Based on the evidence outlined above, the variant was classified as uncertain significance.

GeneDx
Classification: Uncertain significance. Last evaluated: 2017-09-18. Review status: criteria provided, single submitter. Criteria: GeneDx Variant Classification (06012015). Collection method: clinical testing. Allele origin: germline. Affected: yes.
Comment: The P420L variant has not been published as a pathogenic variant, nor has it been reported as a benign variant to our knowledge. P420L is not observed in large population cohorts (Lek et al., 2016; 1000 Genomes Consortium et al., 2015; Exome Variant Server). The P420L variant is a semi-conservative amino acid substitution, which may impact secondary protein structure as these residues differ in some properties. This substitution occurs at a position conserved across species. In silico analysis predicts this variant is damaging to the protein structure/function.